The following is an entry in ClinVar:

NC_000001.10:g.(?_74701136)_(74929254_?)dup

Genes: FPGT-TNNI3K (FPGT-TNNI3K readthrough; plus strand), TNNI3K (TNNI3 interacting kinase; plus strand). Cytogenetic location: 1p31.1.
Variant type: Duplication.
Identifiers: ClinVar variation 1412008 (VCV001412008.4).

ClinVar aggregate classification (germline): Uncertain significance (1 of 4 stars; one submission).

Submission:

Labcorp Genetics (formerly Invitae), Labcorp
Classification: Uncertain significance. Last evaluated: 2021-06-02. Review status: criteria provided, single submitter. Criteria: Invitae Variant Classification Sherloc (09022015). Collection method: clinical testing. Allele origin: germline.
Comment: This variant has not been reported in the literature in individuals with TNNI3K-related conditions. In summary, the available evidence is currently insufficient to determine the role of this variant in disease. Therefore, it has been classified as a Variant of Uncertain Significance. This variant results in a copy number gain of the genomic region encompassing exon(s) 1-21 of the TNNI3K gene. This region includes the initiator codon of the gene. The 5' end of this event is unknown as it extends beyond the assayed region for this gene and therefore may encompass additional genes. The 3' boundary is likely confined to intron 21 of the TNNI3K gene. As the precise location of this event is unknown, it may be in tandem or it may be located elsewhere in the genome.